The following is an entry in ClinVar:

ClinVar aggregate classification (germline): Conflicting classifications of pathogenicity. Review status: criteria provided, conflicting classifications (1 of 4 stars). 3 submissions from 3 submitters: Uncertain significance (2); Benign (1). Last evaluated 2024-07-03.

Conditions:
COL11A2-related disorder. Also called: COL11A2-related condition; COL11A2-related disorders.

Allele frequency attached by ClinVar (database versions not stated): gnomAD exomes below 0.00001; TOPMed 0.00002; gnomAD 0.00003.
gnomAD v4.1: 9 of 1,612,844 alleles (0.00056%); highest among the groups gnomAD compares: African/African-American, 0.008%; no homozygotes.

Submissions (3):

Women's Health and Genetics/Laboratory Corporation of America, LabCorp
Classification: Uncertain significance. Last evaluated: 2024-07-03. Review status: criteria provided, single submitter. Criteria: LabCorp Variant Classification Summary - May 2015. Collection method: clinical testing. Allele origin: germline.
Comment: Variant summary: COL11A2 c.3743C>T (p.Pro1248Leu) results in a non-conservative amino acid change in the encoded protein sequence. Three of five in-silico tools predict a damaging effect of the variant on protein function. The frequency data for this variant in gnomAD is considered unreliable, as metrics indicate poor data quality at this position. c.3743C>T has been reported in the literature in a heterozygous individuals affected with COL11A2-Related Disorders (Sloan-Heggen_2016). These data do not allow any conclusion about variant significance. To our knowledge, no experimental evidence demonstrating an impact on protein function has been reported. The following publication have been ascertained in the context of this evaluation (PMID: 26969326). ClinVar contains an entry for this variant (Variation ID: 2636531). Based on the evidence outlined above, the variant was classified as uncertain significance.

Labcorp Genetics (formerly Invitae), Labcorp
Classification: Benign. Last evaluated: 2023-10-04. Review status: criteria provided, single submitter. Criteria: Invitae Variant Classification Sherloc (09022015). Collection method: clinical testing. Allele origin: germline.

PreventionGenetics, part of Exact Sciences
Classification: Uncertain significance for COL11A2-related condition. Last evaluated: 2022-10-06. Review status: criteria provided, single submitter. Criteria: ACMG Guidelines, 2015. Collection method: clinical testing. Allele origin: germline.
Comment: The COL11A2 c.3743C>T variant is predicted to result in the amino acid substitution p.Pro1248Leu. On an alternative transcript (NM_080679), this variant is referred to as c.3422C>T (p.Pro1141Leu). This variant was reported in an individual with hearing loss (Supplementary Table S3, Sloan-Heggen et al. 2016. PubMed ID: 26969326). This variant is reported in 0.023% of alleles in individuals of African descent in gnomAD. At this time, the clinical significance of this variant is uncertain due to the absence of conclusive functional and genetic evidence.

Literature cited by the submitters: PubMed 26969326 (cited by Women's Health and Genetics/Laboratory Corporation of America, LabCorp).

NM_080680.3(COL11A2):c.3743C>T (p.Pro1248Leu)

Gene: COL11A2 (collagen type XI alpha 2 chain; minus strand). Cytogenetic location: 6p21.32.
Variant type: single nucleotide variant.
Coding change: c.3743C>T on transcript NM_080680.3 (MANE Select); coding-DNA position 3743, C replaced by T.
Protein change: p.Pro1248Leu; replaces proline 1248 with leucine.
Molecular consequence: missense variant.
Genome position (GRCh38, 1-based): chr6:33,169,438, G>A on the plus strand (C>T on the coding strand, the complement: COL11A2 is on the minus strand). VCF-style: chr6-33169438-G-A. GRCh37 (hg19) VCF-style: chr6-33137215-G-A.
Other names: c.3563C>T, p.Pro1188Leu (NM_001424108.1); c.2897C>T, p.Pro966Leu (NM_001424109.1); c.2717C>T, p.Pro906Leu (NM_001424110.1, NM_001424111.1); c.1697C>T, p.Pro566Leu (NM_001424112.1); c.3422C>T, p.Pro1141Leu (NM_080679.3); c.3485C>T, p.Pro1162Leu (NM_080681.3); short protein forms P1141L, P1162L, P1188L, P1248L, P566L, P906L, P966L.
Identifiers: ClinVar variation 2636531 (VCV002636531.5), dbSNP rs959259513, ClinGen allele CA137064282.
Genomic context (GRCh38, chr6:33,169,438, plus strand): 5'-CTCACAGGGTTCCCTTTGGGGCCATCATCGCCTGTGGGGCCTTTAGGCCCTGGTGGCCCT[G>A]GCTCTCCTGGCTGCCCCGACTCTCCTTTCTCTCCACGTTCCCCGCGTGGACCCTGCAGAA-3'
Protein context (NP_542411.2, residues 1238-1258): EKGESGQPGE[Pro1248Leu]GPPGPKGPTG